The following is an entry in ClinVar:

ClinVar aggregate classification (germline): Pathogenic (1 of 4 stars; one submission).

Conditions:
LAMA2-related muscular dystrophy (LAMA2-RD). Also called: Laminin alpha 2-related dystrophy. Identifiers: MedGen C5679788, MONDO:0100228.

Submission:

Myriad Genetics, Inc.
Classification: Pathogenic for LAMA2-related muscular dystrophy. Last evaluated: 2026-04-16. Review status: criteria provided, single submitter. Criteria: Myriad Autosomal Dominant, Autosomal Recessive and X-Linked Classification Criteria (2023). Collection method: clinical testing. Allele origin: unknown.
Comment: NM_000426.3(LAMA2):c.3349delA(T1117Pfs*22) is expected to be pathogenic in the context of muscular dystrophy, LAMA2-related. This variant is predicted to lead to an abnormal or absent protein product due to the creation of a premature termination codon in LAMA2, a gene where loss-of-function variants are known to be pathogenic. Please note: this variant was assessed in the context of healthy population screening.

NM_000426.4(LAMA2):c.3349del (p.Thr1117fs)

Gene: LAMA2 (laminin subunit alpha 2; plus strand). Cytogenetic location: 6q22.33.
Variant type: Deletion.
Coding change: c.3349del on transcript NM_000426.4 (MANE Select); coding-DNA position 3349, one base deleted (A; older notation c.3349delA).
Protein change: p.Thr1117fs; shifts the reading frame from threonine 1117.
Molecular consequence: frameshift variant.
Genome position (GRCh38, 1-based): chr6:129,313,035, A deleted; the last of 2 consecutive A bases (chr6:129,313,034-129,313,035); deleting either gives the same sequence. VCF-style (leftmost placement, unchanged base first): chr6-129313033-CA-C. GRCh37 (hg19) VCF-style: chr6-129634178-CA-C.
Other names: c.3349del, p.Thr1117fs (NM_001079823.2); short protein forms T1117fs.
Identifiers: ClinVar variation 5015803 (VCV005015803.1).